The following is an entry in ClinVar:

ClinVar aggregate classification (germline): Likely pathogenic (1 of 4 stars; one submission).

Submission:

Labcorp Genetics (formerly Invitae), Labcorp
Classification: Likely pathogenic. Last evaluated: 2020-07-21. Review status: criteria provided, single submitter. Criteria: Invitae Variant Classification Sherloc (09022015). Collection method: clinical testing. Allele origin: germline.
Comment: This variant results in a copy number gain of the genomic region encompassing exon(s) 29 of the EYS gene. While the exact position of this variant cannot be determined from the data, sub-genic copy number gains are generally in tandem (PMID: 25640679). This variant is predicted to be out-of-frame, and may result in an absent or disrupted protein product. This variant has not been reported in the literature in individuals with EYS-related conditions. Loss-of-function variants in EYS are known to be pathogenic (PMID: 18836446, 20333770). In summary, the currently available evidence indicates that the variant is pathogenic, but additional data are needed to prove that conclusively. Therefore, this variant has been classified as Likely Pathogenic.

Literature cited by the submitters: PubMed 25640679; PubMed 18836446; PubMed 20333770.

NC_000006.11:g.(?_65098573)_(65098743_?)dup

Gene: EYS (eyes shut homolog; minus strand). Cytogenetic location: 6q12.
Variant type: Duplication.
Identifiers: ClinVar variation 1068048 (VCV001068048.1).